The following is an entry in ClinVar:

NM_024577.4(SH3TC2):c.3386T>C (p.Phe1129Ser)

Gene: SH3TC2 (SH3 domain and tetratricopeptide repeats 2; minus strand). Cytogenetic location: 5q32.
Variant type: single nucleotide variant.
Coding change: c.3386T>C on transcript NM_024577.4 (MANE Select); coding-DNA position 3386, T replaced by C.
Protein change: p.Phe1129Ser; replaces phenylalanine 1129 with serine.
Molecular consequence: missense variant.
Genome position (GRCh38, 1-based): chr5:149,008,943, A>G on the plus strand (T>C on the coding strand, the complement: SH3TC2 is on the minus strand). VCF-style: chr5-149008943-A-G. GRCh37 (hg19) VCF-style: chr5-148388506-A-G.
Other names: short protein forms F1129S.
Identifiers: ClinVar variation 2015361 (VCV002015361.4), dbSNP rs2531745521, ClinGen allele CA361664642.

ClinVar aggregate classification (germline): Uncertain significance (1 of 4 stars; one submission).

Conditions:
Charcot-Marie-Tooth disease type 4. Also called: Charcot-Marie-Tooth, Type 4; Charcot-Marie-Tooth disease, type IV. Identifiers: Orphanet 64749, MedGen C4082197, MONDO:0018995.

Submission:

Labcorp Genetics (formerly Invitae), Labcorp
Classification: Uncertain significance for Charcot-Marie-Tooth disease type 4. Last evaluated: 2022-07-09. Review status: criteria provided, single submitter. Criteria: Invitae Variant Classification Sherloc (09022015). Collection method: clinical testing. Allele origin: germline.
Comment: In summary, the available evidence is currently insufficient to determine the role of this variant in disease. Therefore, it has been classified as a Variant of Uncertain Significance. Advanced modeling of protein sequence and biophysical properties (such as structural, functional, and spatial information, amino acid conservation, physicochemical variation, residue mobility, and thermodynamic stability) performed at Invitae indicates that this missense variant is not expected to disrupt SH3TC2 protein function. This variant has not been reported in the literature in individuals affected with SH3TC2-related conditions. This variant is not present in population databases (gnomAD no frequency). This sequence change replaces phenylalanine, which is neutral and non-polar, with serine, which is neutral and polar, at codon 1129 of the SH3TC2 protein (p.Phe1129Ser).